The following is an entry in ClinVar:

ClinVar aggregate classification (germline): Uncertain significance (1 of 4 stars; one submission).

Submission:

Labcorp Genetics (formerly Invitae), Labcorp
Classification: Uncertain significance. Last evaluated: 2021-07-23. Review status: criteria provided, single submitter. Criteria: Invitae Variant Classification Sherloc (09022015). Collection method: clinical testing. Allele origin: germline.
Comment: In summary, the available evidence is currently insufficient to determine the role of this variant in disease. Therefore, it has been classified as a Variant of Uncertain Significance. Algorithms developed to predict the effect of missense changes on protein structure and function (SIFT, PolyPhen-2, Align-GVGD) all suggest that this variant is likely to be tolerated. This variant has not been reported in the literature in individuals affected with HOXB13-related conditions. This variant is not present in population databases (ExAC no frequency). This sequence change replaces serine with arginine at codon 281 of the HOXB13 protein (p.Ser281Arg). The serine residue is moderately conserved and there is a moderate physicochemical difference between serine and arginine.

NM_006361.6(HOXB13):c.841A>C (p.Ser281Arg)

Gene: HOXB13 (homeobox B13; minus strand). Cytogenetic location: 17q21.32.
Variant type: single nucleotide variant.
Coding change: c.841A>C on transcript NM_006361.6 (MANE Select); coding-DNA position 841, A replaced by C.
Protein change: p.Ser281Arg; replaces serine 281 with arginine.
Molecular consequence: missense variant.
Genome position (GRCh38, 1-based): chr17:48,726,804, T>G on the plus strand (A>C on the coding strand, the complement: HOXB13 is on the minus strand). VCF-style: chr17-48726804-T-G. GRCh37 (hg19) VCF-style: chr17-46804166-T-G.
Other names: short protein forms S281R.
Identifiers: ClinVar variation 1402401 (VCV001402401.8), dbSNP rs2038214832, ClinGen allele CA400105216.